The following is an entry in ClinVar:

ClinVar aggregate classification (germline): Uncertain significance (1 of 4 stars; one submission).

Conditions:
Cardiovascular phenotype. Identifiers: MedGen CN230736.

Submission:

Ambry Genetics
Classification: Uncertain significance for Cardiovascular phenotype. Last evaluated: 2021-05-05. Review status: criteria provided, single submitter. Criteria: Ambry Variant Classification Scheme 2023. Collection method: clinical testing. Allele origin: germline.
Comment: The c.424_425delAA variant, located in coding exon 5 of the TNNC1 gene, results from a deletion of two nucleotides at nucleotide positions 424 to 425, causing a translational frameshift with a predicted alternate stop codon (p.K142Efs*9). Premature stop codons are typically deleterious in nature; however, this alteration occurs at the 3' terminus of the TNNC1 gene, is not expected to trigger nonsense-mediated mRNA decay, and only impacts the last 20 amino acids of the protein. Additionally, loss of function of TNNC1 has not been clearly established as a mechanism of disease. The exact functional effect of this alteration is unknown. Since supporting evidence is limited at this time, the clinical significance of this alteration remains unclear.

NM_003280.3(TNNC1):c.424_425del (p.Lys142fs)

Gene: TNNC1 (troponin C1, slow skeletal and cardiac type; minus strand). Cytogenetic location: 3p21.1.
Variant type: Deletion.
Coding change: c.424_425del on transcript NM_003280.3 (MANE Select); coding-DNA positions 424 to 425, 2 bases deleted (AA; older notation c.424_425delAA).
Protein change: p.Lys142fs; shifts the reading frame from lysine 142.
Molecular consequence: frameshift variant.
Genome position (GRCh38, 1-based): chr3:52,451,420-52,451,421, TT deleted on the plus strand (AA on the coding strand, the reverse complement: TNNC1 is on the minus strand). VCF-style (leftmost placement, unchanged base first): chr3-52451419-CTT-C. GRCh37 (hg19) VCF-style: chr3-52485435-CTT-C.
Other names: short protein forms K142fs.
Identifiers: ClinVar variation 1738994 (VCV001738994.2), dbSNP rs2471443619, ClinGen allele CA2580070186.